The following is an entry in ClinVar:

NM_000214.3(JAG1):c.1216G>A (p.Gly406Arg)

Gene: JAG1 (jagged canonical Notch ligand 1; minus strand). Cytogenetic location: 20p12.2.
Variant type: single nucleotide variant.
Coding change: c.1216G>A on transcript NM_000214.3 (MANE Select); coding-DNA position 1216, G replaced by A.
Protein change: p.Gly406Arg; replaces glycine 406 with arginine.
Molecular consequence: missense variant.
Genome position (GRCh38, 1-based): chr20:10,650,265, C>T on the plus strand (G>A on the coding strand, the complement: JAG1 is on the minus strand). VCF-style: chr20-10650265-C-T. GRCh37 (hg19) VCF-style: chr20-10630913-C-T.
Other names: c.1216G>A (NM_000214.2); short protein forms G406R.
Identifiers: ClinVar variation 1460907 (VCV001460907.9), dbSNP rs2067336534, ClinGen allele CA408238403.

ClinVar aggregate classification (germline): Uncertain significance. Review status: criteria provided, multiple submitters, no conflicts (2 of 4 stars). 2 submissions from 2 submitters: Uncertain significance (2). Last evaluated 2024-02-12.

Conditions:
Alagille syndrome due to a JAG1 point mutation. Also called: JAG1-Related Alagille Syndrome; Alagille Syndrome 1; HEPATIC DUCTULAR HYPOPLASIA, SYNDROMATIC. Identifiers: Orphanet 261619, Orphanet 52, MedGen C1956125, MONDO:0016862, OMIM 118450.
Cardiovascular phenotype. Identifiers: MedGen CN230736.

Allele frequency attached by ClinVar (database versions not stated): gnomAD exomes below 0.00001; TOPMed below 0.00001.

Submissions (2):

Ambry Genetics
Classification: Uncertain significance for Cardiovascular phenotype. Last evaluated: 2024-02-12. Review status: criteria provided, single submitter. Criteria: Ambry Variant Classification Scheme 2023. Collection method: clinical testing. Allele origin: germline.

Labcorp Genetics (formerly Invitae), Labcorp
Classification: Uncertain significance for Alagille syndrome due to a JAG1 point mutation. Last evaluated: 2021-04-13. Review status: criteria provided, single submitter. Criteria: Invitae Variant Classification Sherloc (09022015). Collection method: clinical testing. Allele origin: germline.
Comment: Advanced modeling of protein sequence and biophysical properties (such as structural, functional, and spatial information, amino acid conservation, physicochemical variation, residue mobility, and thermodynamic stability) performed at Invitae indicates that this missense variant is expected to disrupt JAG1 protein function. In summary, the available evidence is currently insufficient to determine the role of this variant in disease. Therefore, it has been classified as a Variant of Uncertain Significance. This variant has not been reported in the literature in individuals with JAG1-related conditions. This variant is not present in population databases (ExAC no frequency). This sequence change replaces glycine with arginine at codon 406 of the JAG1 protein (p.Gly406Arg). The glycine residue is highly conserved and there is a moderate physicochemical difference between glycine and arginine.